The following is an entry in ClinVar:

ClinVar aggregate classification (germline): Pathogenic/Likely pathogenic. Review status: criteria provided, multiple submitters, no conflicts (2 of 4 stars). 2 submissions from 2 submitters: Pathogenic (1); Likely pathogenic (1). Last evaluated 2024-04-30.

Conditions:
Marfan syndrome (MFS). Also called: MARFAN SYNDROME, TYPE I; FBN1-Related Marfan Syndrome; Marfan syndrome, classic; Marfan syndrome type 1; Marfan's syndrome. Identifiers: Orphanet 284963, Orphanet 558, MedGen C0024796, MONDO:0007947, OMIM 154700.
Familial thoracic aortic aneurysm and aortic dissection (TAAD). Also called: Thoracic aortic aneurysms and dissections. Identifiers: Orphanet 91387, MedGen C4707243, MONDO:0019625.

Submissions (2):

Labcorp Genetics (formerly Invitae), Labcorp
Classification: Pathogenic for Marfan syndrome; Familial thoracic aortic aneurysm and aortic dissection. Last evaluated: 2024-04-30. Review status: criteria provided, single submitter. Criteria: Invitae Variant Classification Sherloc (09022015). Collection method: clinical testing. Allele origin: germline.
Comment: This sequence change replaces glycine, which is neutral and non-polar, with arginine, which is basic and polar, at codon 2416 of the FBN1 protein (p.Gly2416Arg). This variant is not present in population databases (gnomAD no frequency). This missense change has been observed in individuals with Marfan syndrome (Invitae). It has also been observed to segregate with disease in related individuals. ClinVar contains an entry for this variant (Variation ID: 200109). Advanced modeling of protein sequence and biophysical properties (such as structural, functional, and spatial information, amino acid conservation, physicochemical variation, residue mobility, and thermodynamic stability) performed at Invitae indicates that this missense variant is expected to disrupt FBN1 protein function with a positive predictive value of 95%. This variant disrupts the p.Gly2416 amino acid residue in FBN1. Other variant(s) that disrupt this residue have been observed in individuals with FBN1-related conditions (PMID: 26272055; Invitae), which suggests that this may be a clinically significant amino acid residue. For these reasons, this variant has been classified as Pathogenic.

GeneDx
Classification: Likely pathogenic. Last evaluated: 2013-10-03. Review status: criteria provided, single submitter. Criteria: GeneDx Variant Classification (06012015). Collection method: clinical testing. Allele origin: germline. Affected: yes.
Comment: p.Gly2416Arg (GGG>AGG): c.7246 G>A in exon 59 of the FBN1 gene (NM_000138.4) The Gly2416Arg variant in the FBN1 gene has not been reported as a disease-causing mutation or as a benign polymorphism to our knowledge. Gly2416Arg results in a non-conservative amino acid substitution of a non- polar Glycine residue with a positively charged Arginine residue at a position that is conserved across species. In silico analysis predicts Gly2416Arg is probably damaging to the protein structure/function. A mutation affecting a nearby residue (Arg2414Gln) has been reported in association with Marfan syndrome, further supporting the functional importance of this region of the protein. Furthermore, the Gly2416Arg variant was not observed in approximately 6,500 individuals of European and African American ancestry in the NHLBI Exome Sequencing Project, indicating it is not a common benign variant in these populations. In summary, while Gly2416Arg is a good candidate for a disease-causing mutation, with the clinical and molecular information available at this time we cannot unequivocally determine the clinical significance of this variant.The variant is found in TAAD panel(s).

Literature cited by the submitters: PubMed 26272055 (cited by Labcorp Genetics (formerly Invitae), Labcorp).

NM_000138.5(FBN1):c.7246G>A (p.Gly2416Arg)

Gene: FBN1 (fibrillin 1; minus strand). Cytogenetic location: 15q21.1.
Variant type: single nucleotide variant.
Coding change: c.7246G>A on transcript NM_000138.5 (MANE Select); coding-DNA position 7246, G replaced by A.
Protein change: p.Gly2416Arg; replaces glycine 2416 with arginine.
Molecular consequence: missense variant.
Genome position (GRCh38, 1-based): chr15:48,425,823, C>T on the plus strand (G>A on the coding strand, the complement: FBN1 is on the minus strand). VCF-style: chr15-48425823-C-T. GRCh37 (hg19) VCF-style: chr15-48718020-C-T.
Other names: p.G2416R:GGG>AGG; short protein forms G2416R.
Identifiers: ClinVar variation 200109 (VCV000200109.5), dbSNP rs794728269, ClinGen allele CA017132.